The following is an entry in ClinVar:

NM_152641.4(ARID2):c.2557T>C (p.Tyr853His)

Gene: ARID2 (AT-rich interaction domain 2; plus strand). Cytogenetic location: 12q12.
Variant type: single nucleotide variant.
Coding change: c.2557T>C on transcript NM_152641.4 (MANE Select); coding-DNA position 2557, T replaced by C.
Protein change: p.Tyr853His; replaces tyrosine 853 with histidine.
Molecular consequence: missense variant.
Genome position (GRCh38, 1-based): chr12:45,850,680, T>C. VCF-style: chr12-45850680-T-C. GRCh37 (hg19) VCF-style: chr12-46244463-T-C.
Other names: c.2557T>C, p.Tyr853His (NM_001347839.2); short protein forms Y853H.
Identifiers: ClinVar variation 3346495 (VCV003346495.1).

ClinVar aggregate classification (germline): Uncertain significance (0 of 4 stars; one submission).

Conditions:
ARID2-related disorder. Also called: ARID2-related condition.

Submission:

PreventionGenetics, part of Exact Sciences
Classification: Uncertain significance for ARID2-related condition. Last evaluated: 2024-05-15. Review status: no assertion criteria provided. Collection method: clinical testing. Allele origin: germline.
Comment: The ARID2 c.2557T>C variant is predicted to result in the amino acid substitution p.Tyr853His. To our knowledge, this variant has not been reported in the literature or in a large population database, indicating this variant is rare. At this time, the clinical significance of this variant is uncertain due to the absence of conclusive functional and genetic evidence.